The following is an entry in ClinVar:

NM_000312.4(PROC):c.326_330dup (p.Cys111fs)

Gene: PROC (protein C, inactivator of coagulation factors Va and VIIIa; plus strand). Cytogenetic location: 2q14.3.
Variant type: Microsatellite.
Coding change: c.326_330dup on transcript NM_000312.4 (MANE Select); coding-DNA positions 326 to 330, 5 bases duplicated (GCACG; older notation c.326_330dupGCACG).
Protein change: p.Cys111fs; shifts the reading frame from cysteine 111.
Molecular consequence: frameshift variant.
Genome position (GRCh38, 1-based): chr2:127,423,097-127,423,101, GCACG duplicated; duplicating any 5 consecutive bases within chr2:127,423,091-127,423,101 gives the same sequence; the c. name uses the placement nearest the transcript's 3' end. VCF-style (leftmost placement, unchanged base first): chr2-127423090-G-GGGCAC. GRCh37 (hg19) VCF-style: chr2-128180666-G-GGGCAC.
Other names: p.Cys111Alafs*27; c.509_513dup, p.Cys172fs (NM_001375602.1); c.389_393dup, p.Cys132fs (NM_001375603.1, NM_001375604.1); c.326_330dup, p.Cys111fs (NM_001375605.1, NM_001375608.1, NM_001375611.1 and 1 more transcripts); c.481_485dup, p.Ala163fs (NM_001375606.1); c.410_414dup, p.Cys139fs (NM_001375607.1); c.302_306dup, p.Cys103fs (NM_001375609.1); c.320_324dup, p.Cys109fs (NM_001375610.1); short protein forms C132fs, A163fs, C111fs, C103fs, C172fs, C109fs, C139fs.
Identifiers: ClinVar variation 838069 (VCV000838069.8), dbSNP rs1688218776, ClinGen allele CA916081312.

ClinVar aggregate classification (germline): Pathogenic. Review status: criteria provided, multiple submitters, no conflicts (2 of 4 stars). 2 submissions from 2 submitters: Pathogenic (2). Last evaluated 2025-09-10.

Conditions:
Thrombophilia due to protein C deficiency, autosomal dominant. Also called: PROC DEFICIENCY, AUTOSOMAL DOMINANT; PROTEIN C DEFICIENCY, AUTOSOMAL DOMINANT. Identifiers: Orphanet 745, MedGen C2674321, MONDO:0008316, OMIM 176860. Disease mechanism: loss of function.

Submissions (2):

Labcorp Genetics (formerly Invitae), Labcorp
Classification: Pathogenic for Thrombophilia due to protein C deficiency, autosomal dominant. Last evaluated: 2025-09-10. Review status: criteria provided, single submitter. Criteria: Invitae Variant Classification Sherloc (09022015). Collection method: clinical testing. Allele origin: germline.
Comment: This sequence change creates a premature translational stop signal (p.Cys111Alafs*27) in the PROC gene. It is expected to result in an absent or disrupted protein product. Loss-of-function variants in PROC are known to be pathogenic (PMID: 17152060). This variant is not present in population databases (gnomAD no frequency). This premature translational stop signal has been observed in individual(s) with protein C deficiency (PMID: 34784555). ClinVar contains an entry for this variant (Variation ID: 838069). For these reasons, this variant has been classified as Pathogenic.

Mayo Clinic Laboratories, Mayo Clinic
Classification: Pathogenic. Last evaluated: 2024-11-13. Review status: criteria provided, single submitter. Criteria: ACMG Guidelines, 2015. Collection method: clinical testing. Allele origin: germline. Observed: 3 variant alleles.
Comment: PM2_supporting, PS4_moderate, PVS1

Literature cited by the submitters: PubMed 17152060 (cited by Labcorp Genetics (formerly Invitae), Labcorp); PubMed 34784555 (cited by Labcorp Genetics (formerly Invitae), Labcorp and Mayo Clinic Laboratories, Mayo Clinic).